The following is an entry in ClinVar:

ClinVar aggregate classification (germline): Uncertain significance (1 of 4 stars; one submission).

Conditions:
Progressive familial heart block type IB (PFHB1B). Identifiers: Orphanet 871, MedGen C1970298, MONDO:0011474, OMIM 604559.

Submission:

Labcorp Genetics (formerly Invitae), Labcorp
Classification: Uncertain significance for Progressive familial heart block type IB. Last evaluated: 2026-02-02. Review status: criteria provided, single submitter. Criteria: Invitae Variant Classification Sherloc (09022015). Collection method: clinical testing. Allele origin: germline.
Comment: This sequence change replaces glycine, which is neutral and non-polar, with arginine, which is basic and polar, at codon 244 of the TRPM4 protein (p.Gly244Arg). This variant is not present in population databases (gnomAD no frequency). This variant has not been reported in the literature in individuals affected with TRPM4-related conditions. An algorithm developed to predict the effect of missense changes on protein structure and function (PolyPhen-2) suggests that this variant is likely to be disruptive. In summary, the available evidence is currently insufficient to determine the role of this variant in disease. Therefore, it has been classified as a Variant of Uncertain Significance.

NM_017636.4(TRPM4):c.730G>A (p.Gly244Arg)

Gene: TRPM4 (transient receptor potential cation channel subfamily M member 4; plus strand). Cytogenetic location: 19q13.33.
Variant type: single nucleotide variant.
Coding change: c.730G>A on transcript NM_017636.4 (MANE Select); coding-DNA position 730, G replaced by A.
Protein change: p.Gly244Arg; replaces glycine 244 with arginine.
Molecular consequence: missense variant. On other transcripts: 5 prime UTR variant (2).
Genome position (GRCh38, 1-based): chr19:49,168,670, G>A. VCF-style: chr19-49168670-G-A. GRCh37 (hg19) VCF-style: chr19-49671927-G-A.
Other names: c.730G>A, p.Gly244Arg (NM_001195227.2); c.385G>A, p.Gly129Arg (NM_001321281.2); c.-824G>A (NM_001321282.2); c.208G>A, p.Gly70Arg (NM_001321283.2); c.-120G>A (NM_001321285.2); short protein forms G129R, G244R, G70R.
Identifiers: ClinVar variation 4690902 (VCV004690902.1).